The following is an entry in ClinVar:

ClinVar aggregate classification (germline): Likely pathogenic (1 of 4 stars; one submission).

Conditions:
Usher syndrome type 1 (USH1). Also called: RETINITIS PIGMENTOSA AND CONGENITAL DEAFNESS. Identifiers: Orphanet 231169, Orphanet 886, MedGen C1568247, MONDO:0010168, OMIM 276900.

Submission:

Myriad Genetics, Inc.
Classification: Likely pathogenic for Usher syndrome type 1. Last evaluated: 2021-12-13. Review status: criteria provided, single submitter. Criteria: Myriad Women's Health Autosomal Recessive and X-Linked Classification Criteria (2021). Collection method: clinical testing. Allele origin: unknown.
Comment: NM_000260.3(MYO7A):c.2702_2703insAA(A902Rfs*13) is expected to be pathogenic in the context of MYO7A-related disorders. This variant is predicted to lead to an abnormal or absent protein product due to the creation of a premature termination codon in MYO7A, a gene where loss-of-function variants are known to be pathogenic. Please note: this variant was assessed in the context of healthy population screening.

NM_000260.4(MYO7A):c.2702_2703insAA (p.Ala902fs)

Gene: MYO7A (myosin VIIA; plus strand). Cytogenetic location: 11q13.5.
Variant type: Insertion.
Coding change: c.2702_2703insAA on transcript NM_000260.4 (MANE Select); coding-DNA positions 2702 to 2703, AA inserted.
Protein change: p.Ala902fs; shifts the reading frame from alanine 902.
Molecular consequence: frameshift variant.
Genome position: GRCh38 VCF-style: chr11-77181387-T-TAA. GRCh37 (hg19) VCF-style: chr11-76892433-T-TAA.
Other names: c.2702_2703insAA, p.Ala902fs (NM_001127180.2); c.2669_2670insAA, p.Ala891fs (NM_001369365.1); short protein forms A891fs, A902fs.
Identifiers: ClinVar variation 1726296 (VCV001726296.2), dbSNP rs2497201682, ClinGen allele CA2580084939.
Genomic context (GRCh38, chr11:77,181,387, plus strand): 5'-GCTGTGGCACCGGGGGCTGACCCCGTGTCTTCTGTGTCACCCCAATTGCCCAGGAGCGCC[T>TAA]GGCCCAGCTGGCTCGTGAGGACGCTGAGCGGGAGCTGAAGGAGAAGGAGGCCGCTCGGCG-3'